The following is an entry in ClinVar:

NM_001083962.2(TCF4):c.1608C>G (p.Asp536Glu)

Gene: TCF4 (transcription factor 4; minus strand). Cytogenetic location: 18q21.2.
Variant type: single nucleotide variant.
Coding change: c.1608C>G on transcript NM_001083962.2 (MANE Select); coding-DNA position 1608, C replaced by G.
Protein change: p.Asp536Glu; replaces aspartic acid 536 with glutamic acid.
Molecular consequence: missense variant.
Genome position (GRCh38, 1-based): chr18:55,232,550, G>C on the plus strand (C>G on the coding strand, the complement: TCF4 is on the minus strand). VCF-style: chr18-55232550-G-C. GRCh37 (hg19) VCF-style: chr18-52899781-G-C.
Other names: c.960C>G, p.Asp320Glu (NM_001348215.2); c.1128C>G, p.Asp376Glu (NM_001348216.2, NM_001243234.2, NM_001243235.2 and 1 more transcripts); c.1536C>G, p.Asp512Glu (NM_001348217.1, NM_001348218.2, NM_001348219.2 and 5 more transcripts); c.1533C>G, p.Asp511Glu (NM_001348220.1, NM_001369576.1, NM_001369577.1 and 6 more transcripts); c.1914C>G, p.Asp638Glu (NM_001243226.3); c.1608C>G, p.Asp536Glu (NM_001369567.1, NM_001369568.1, NM_001369571.1 and 2 more transcripts); c.1626C>G, p.Asp542Glu (NM_001243228.2); c.1605C>G, p.Asp535Glu (NM_001369569.1, NM_001369570.1, NM_001369573.1 and 2 more transcripts); and 6 more; short protein forms D320E, D375E, D376E, D406E, D465E, D494E, D511E, D512E.
Identifiers: ClinVar variation 2574971 (VCV002574971.2), dbSNP rs370405835, ClinGen allele CA402529909.

ClinVar aggregate classification (germline): Likely benign (1 of 4 stars; one submission).

Submission:

GeneDx
Classification: Likely benign. Last evaluated: 2024-05-21. Review status: criteria provided, single submitter. Criteria: GeneDx Variant Classification Process June 2021. Collection method: clinical testing. Allele origin: germline. Affected: yes.
Comment: See Variant Classification Assertion Criteria.